The following is an entry in ClinVar:

NM_007186.6(CEP250):c.1675C>A (p.Leu559Met)

Genes: CEP250 (centrosomal protein 250; plus strand), CEP250-AS1 (CEP250 antisense RNA 1; minus strand). Cytogenetic location: 20q11.22.
Variant type: single nucleotide variant.
Coding change: c.1675C>A on transcript NM_007186.6 (MANE Select); coding-DNA position 1675, C replaced by A.
Protein change: p.Leu559Met; replaces leucine 559 with methionine.
Molecular consequence: missense variant. On other transcripts: 5 prime UTR variant (1).
Genome position (GRCh38, 1-based): chr20:35,475,605, C>A. VCF-style: chr20-35475605-C-A. GRCh37 (hg19) VCF-style: chr20-34063430-C-A.
Other names: c.-225C>A (NM_001318219.1); c.1675C>A (NM_007186.5, NM_007186.3); short protein forms L559M.
Identifiers: ClinVar variation 1039951 (VCV001039951.9), dbSNP rs201427125, ClinGen allele CA9832983.

ClinVar aggregate classification (germline): Uncertain significance. Review status: criteria provided, multiple submitters, no conflicts (2 of 4 stars). 4 submissions from 4 submitters: Uncertain significance (4). Last evaluated 2025-06-20.

Conditions:
CEP250-related disorder. Also called: CEP250-related condition.

Allele frequency attached by ClinVar (database versions not stated): gnomAD 0.00003 and 0.00004; TOPMed 0.00006; ESP Exome Variant Server 0.00008; ExAC 0.00009; 1000 Genomes Project 30x 0.00016; 1000 Genomes Project 0.00020.
gnomAD v4.1: 135 of 1,614,124 alleles (0.0084%); highest among the groups gnomAD compares: Non-Finnish European, 0.011%; no homozygotes.

Submissions (4):

PreventionGenetics, part of Exact Sciences
Classification: Uncertain significance for CEP250-related condition. Last evaluated: 2025-06-20. Review status: criteria provided, single submitter. Criteria: ACMG Guidelines, 2015. Collection method: clinical testing. Allele origin: germline.
Comment: The CEP250 c.1675C>A variant is predicted to result in the amino acid substitution p.Leu559Met. To our knowledge, this variant has not been reported in the literature. This variant is reported in 0.015% of alleles in individuals of European (Non-Finnish) descent in gnomAD. At this time, the clinical significance of this variant is uncertain due to the absence of conclusive functional and genetic evidence.

Blueprint Genetics
Classification: Uncertain significance. Last evaluated: 2024-06-18. Review status: criteria provided, single submitter. Criteria: ACMG Guidelines, 2015. Collection method: clinical testing. Allele origin: germline.

Ambry Genetics
Classification: Uncertain significance. Last evaluated: 2023-11-28. Review status: criteria provided, single submitter. Criteria: Ambry Variant Classification Scheme 2023. Collection method: clinical testing. Allele origin: germline.

Labcorp Genetics (formerly Invitae), Labcorp
Classification: Uncertain significance. Last evaluated: 2022-10-25. Review status: criteria provided, single submitter. Criteria: Invitae Variant Classification Sherloc (09022015). Collection method: clinical testing. Allele origin: germline.
Comment: This sequence change replaces leucine, which is neutral and non-polar, with methionine, which is neutral and non-polar, at codon 559 of the CEP250 protein (p.Leu559Met). This variant is present in population databases (rs201427125, gnomAD 0.01%). This variant has not been reported in the literature in individuals affected with CEP250-related conditions. ClinVar contains an entry for this variant (Variation ID: 1039951). Algorithms developed to predict the effect of missense changes on protein structure and function are either unavailable or do not agree on the potential impact of this missense change (SIFT: "Not Available"; PolyPhen-2: "Possibly Damaging"; Align-GVGD: "Not Available"). In summary, the available evidence is currently insufficient to determine the role of this variant in disease. Therefore, it has been classified as a Variant of Uncertain Significance.